The following is an entry in ClinVar:

ClinVar aggregate classification (germline): Pathogenic (1 of 4 stars; one submission).

Conditions:
Cardiovascular phenotype. Identifiers: MedGen CN230736.
Hereditary cancer-predisposing syndrome. Also called: Neoplastic Syndromes, Hereditary; Tumor predisposition; Hereditary neoplastic syndrome; Hereditary Cancer Syndrome. Identifiers: Orphanet 140162, MedGen C0027672, MeSH D009386, MONDO:0015356.

Submission:

Ambry Genetics
Classification: Pathogenic for Cardiovascular phenotype; Hereditary cancer-predisposing syndrome. Last evaluated: 2026-08-08. Review status: criteria provided, single submitter. Criteria: Ambry Variant Classification Scheme 2023. Collection method: clinical testing. Allele origin: germline.
Comment: The c.1023_1027delCATTT (p.I342Pfs*9) alteration, located in exon 9 (coding exon 9) of the NF1 gene, consists of a deletion of 5 nucleotides from position 1023 to 1027, causing a translational frameshift with a predicted alternate stop codon after 9 amino acids. This variant is expected to result in loss of function by premature protein truncation or nonsense-mediated mRNA decay. This variant was not reported in population-based cohorts in the Genome Aggregation Database (gnomAD). Based on the available evidence, this alteration is classified as pathogenic.

NM_001042492.3(NF1):c.1023_1027del (p.Ile342fs)

Gene: NF1 (neurofibromin 1; plus strand). Cytogenetic location: 17q11.2.
Variant type: Deletion.
Coding change: c.1023_1027del on transcript NM_001042492.3 (MANE Select); coding-DNA positions 1023 to 1027, 5 bases deleted (CATTT; older notation c.1023_1027delCATTT).
Protein change: p.Ile342fs; shifts the reading frame from isoleucine 342.
Molecular consequence: frameshift variant.
Genome position (GRCh38, 1-based): chr17:31,200,556-31,200,560, CATTT deleted; deleting any 5 consecutive bases within chr17:31,200,555-31,200,560 gives the same sequence; the c. name uses the placement nearest the transcript's 3' end. VCF-style (leftmost placement, unchanged base first): chr17-31200554-GTCATT-G. GRCh37 (hg19) VCF-style: chr17-29527572-GTCATT-G.
Other names: c.1023_1027del, p.Ile342fs (NM_000267.4, NM_001128147.3); short protein forms I342fs.
Identifiers: ClinVar variation 5025671 (VCV005025671.1).